The following is an entry in ClinVar:

NM_001110556.2(FLNA):c.3154G>A (p.Val1052Met)

Gene: FLNA (filamin A; minus strand). Cytogenetic location: Xq28.
Variant type: single nucleotide variant.
Coding change: c.3154G>A on transcript NM_001110556.2 (MANE Select); coding-DNA position 3154, G replaced by A.
Protein change: p.Val1052Met; replaces valine 1052 with methionine.
Molecular consequence: missense variant.
Genome position (GRCh38, 1-based): chrX:154,361,361, C>T on the plus strand (G>A on the coding strand, the complement: FLNA is on the minus strand). VCF-style: chrX-154361361-C-T. GRCh37 (hg19) VCF-style: chrX-153589729-C-T.
Other names: c.3154G>A (NM_001456.3); c.3154G>A, p.Val1052Met (NM_001456.4); short protein forms V1052M.
Identifiers: ClinVar variation 3754248 (VCV003754248.3).

ClinVar aggregate classification (germline): Conflicting classifications of pathogenicity. Review status: criteria provided, conflicting classifications (1 of 4 stars). 2 submissions from 2 submitters: Uncertain significance (1); Likely benign (1). Last evaluated 2026-08-24.

Conditions:
Familial thoracic aortic aneurysm and aortic dissection (TAAD). Also called: Thoracic aortic aneurysms and dissections. Identifiers: Orphanet 91387, MedGen C4707243, MONDO:0019625.
Oto-palato-digital syndrome, type II (OPD2). Also called: Otopalatodigital Syndrome Type 2 (FLNA-OPD2); Otopalatodigital Syndrome, Type II; FACIOPALATOOSSEOUS SYNDROME; OPD II SYNDROME. Identifiers: Orphanet 669, Orphanet 90652, MedGen C1844696, MONDO:0010571, OMIM 304120.
Heterotopia, periventricular, X-linked dominant (PVNH1). Also called: PERIVENTRICULAR NODULAR HETEROTOPIA 4; HETEROTOPIA, PERIVENTRICULAR, 1; PERIVENTRICULAR NODULAR HETEROTOPIA 1; X-linked periventricular heterotopia. Identifiers: Orphanet 2149, Orphanet 82004, MedGen C1848213, MONDO:0010233, OMIM 300049.
Frontometaphyseal dysplasia (FMD1). Identifiers: Orphanet 1826, MedGen C0265293, MONDO:0015942.
Melnick-Needles syndrome (MNS). Also called: Melnick-Needles Syndrome (FLNA-MNS); MELNICK-NEEDLES OSTEODYSPLASTY; OSTEODYSPLASTY OF MELNICK AND NEEDLES. Identifiers: Orphanet 2484, MedGen C0025237, MONDO:0010650, OMIM 309350.

gnomAD v4.1: 15 of 1,208,119 alleles (0.0012%); highest among the groups gnomAD compares: Non-Finnish European, 0.0013%; no homozygotes.

Submissions (2):

Ambry Genetics
Classification: Uncertain significance for Familial thoracic aortic aneurysm and aortic dissection. Last evaluated: 2026-08-24. Review status: criteria provided, single submitter. Criteria: Ambry Variant Classification Scheme 2023. Collection method: clinical testing. Allele origin: germline.
Comment: The p.V1052M variant (also known as c.3154G>A), located in coding exon 20 of the FLNA gene, results from a G to A substitution at nucleotide position 3154. The valine at codon 1052 is replaced by methionine, an amino acid with highly similar properties. This amino acid position is conserved. In addition, the in silico prediction for this alteration is inconclusive. Based on the available evidence, the clinical significance of this variant remains unclear.

Labcorp Genetics (formerly Invitae), Labcorp
Classification: Likely benign for Oto-palato-digital syndrome, type II; Heterotopia, periventricular, X-linked dominant; Frontometaphyseal dysplasia; Melnick-Needles syndrome. Last evaluated: 2024-07-03. Review status: criteria provided, single submitter. Criteria: Invitae Variant Classification Sherloc (09022015). Collection method: clinical testing. Allele origin: germline.